The following is an entry in ClinVar:

ClinVar aggregate classification (germline): Pathogenic (1 of 4 stars; one submission).

Conditions:
Congenital myasthenic syndrome 4A. Also called: Myasthenic syndrome, congenital, 4a, slow-channel; CONGENITAL MYASTHENIC SYNDROME TYPE Ia1; MYASTHENIC SYNDROME, CONGENITAL, 4A, SLOW-CHANNEL, AUTOSOMAL RECESSIVE. Identifiers: Orphanet 590, MedGen C4225413, MONDO:0011600, OMIM 605809.

Submission:

Labcorp Genetics (formerly Invitae), Labcorp
Classification: Pathogenic for Myasthenia, Familial Infantile, 1. Last evaluated: 2019-09-13. Review status: criteria provided, single submitter. Criteria: Invitae Variant Classification Sherloc (09022015). Collection method: clinical testing. Allele origin: germline.
Comment: This variant is a gross deletion of the genomic region encompassing exons 1-5 of the CHRNE gene, which includes the initiator codon. The 5' end of this event is unknown as it extends beyond the assayed region for this gene and therefore may encompass additional genes. The 3' boundary is likely confined to intron 5 of the CHRNE gene. This is expected to result in an absent or disrupted protein product. This variant has not been reported in the literature in individuals with CHRNE-related conditions. Loss-of-function variants in CHRNE are known to be pathogenic (PMID: 22678886). For these reasons, this variant has been classified as Pathogenic.

NC_000017.11:g.(?_4901641)_(4903159_?)del

Genes: C17orf107 (chromosome 17 open reading frame 107; plus strand), CHRNE (cholinergic receptor nicotinic epsilon subunit; minus strand). Cytogenetic location: 17p13.2.
Variant type: Deletion.
Identifiers: ClinVar variation 832659 (VCV000832659.1).